The following is an entry in ClinVar:

NM_021830.5(TWNK):c.572A>G (p.Lys191Arg)

Gene: TWNK (twinkle mtDNA helicase; plus strand). Cytogenetic location: 10q24.31.
Variant type: single nucleotide variant.
Coding change: c.572A>G on transcript NM_021830.5 (MANE Select); coding-DNA position 572, A replaced by G.
Protein change: p.Lys191Arg; replaces lysine 191 with arginine.
Molecular consequence: missense variant. On other transcripts: non-coding transcript variant (4), intron variant (3).
Genome position (GRCh38, 1-based): chr10:100,988,782, A>G. VCF-style: chr10-100988782-A-G. GRCh37 (hg19) VCF-style: chr10-102748539-A-G.
Other names: c.572A>G, p.Lys191Arg (NM_001163812.2); c.-119-862A>G (NM_001163814.2, NM_001163813.2); c.-57-924A>G (NM_001368275.1); short protein forms K191R.
Identifiers: ClinVar variation 5020726 (VCV005020726.1).

ClinVar aggregate classification (germline): Uncertain significance (1 of 4 stars; one submission).

Submission:

Dasa
Classification: Uncertain significance. Last evaluated: 2026-01-19. Review status: criteria provided, single submitter. Criteria: DASA Assertion Criteria. Collection method: clinical testing. Allele origin: germline.
Comment: NM_021830.5(TWNK):c.572A>G (p.Lys191Arg) is a missense variant that results in the substitution of lysine with arginine. This variant is rare in population databases. The currently available literature and clinical evidence are not sufficient to establish a definitive association between this variant and the reported condition. Therefore, this variant is classified as a variant of uncertain significance.